The following is an entry in ClinVar:

ClinVar aggregate classification (germline): Uncertain significance. Review status: criteria provided, multiple submitters, no conflicts (2 of 4 stars). 2 submissions from 2 submitters: Uncertain significance (2). Last evaluated 2019-02-25.

Conditions:
Hereditary cancer-predisposing syndrome. Also called: Tumor predisposition; Neoplastic Syndromes, Hereditary; Hereditary Cancer Syndrome; Hereditary neoplastic syndrome. Identifiers: Orphanet 140162, MedGen C0027672, MeSH D009386, MONDO:0015356.

Submissions (2):

Ambry Genetics
Classification: Uncertain significance for Hereditary cancer-predisposing syndrome. Last evaluated: 2019-02-25. Review status: criteria provided, single submitter. Criteria: Ambry Variant Classification Scheme 2023. Collection method: clinical testing. Allele origin: germline.
Comment: The p.F788V variant (also known as c.2362T>G), located in coding exon 14 of the PMS2 gene, results from a T to G substitution at nucleotide position 2362. The phenylalanine at codon 788 is replaced by valine, an amino acid with highly similar properties. This amino acid position is highly conserved in available vertebrate species. In addition, this alteration is predicted to be deleterious by in silico analysis. Since supporting evidence is limited at this time, the clinical significance of this alteration remains unclear.

Quest Diagnostics Nichols Institute San Juan Capistrano
Classification: Uncertain significance. Last evaluated: 2018-11-29. Review status: criteria provided, single submitter. Criteria: Quest Diagnostics criteria. Collection method: clinical testing. Allele origin: germline.

NM_000535.7(PMS2):c.2362T>G (p.Phe788Val)

Gene: PMS2 (PMS1 homolog 2, mismatch repair system component; minus strand). Cytogenetic location: 7p22.1.
Variant type: single nucleotide variant.
Coding change: c.2362T>G on transcript NM_000535.7 (MANE Select); coding-DNA position 2362, T replaced by G.
Protein change: p.Phe788Val; replaces phenylalanine 788 with valine.
Molecular consequence: missense variant. On other transcripts: non-coding transcript variant (1).
Genome position (GRCh38, 1-based): chr7:5,977,671, A>C on the plus strand (T>G on the coding strand, the complement: PMS2 is on the minus strand). VCF-style: chr7-5977671-A-C. GRCh37 (hg19) VCF-style: chr7-6017302-A-C.
Other names: c.1957T>G, p.Phe653Val (NM_001322003.2, NM_001322004.2, NM_001322005.2); c.2206T>G, p.Phe736Val (NM_001322006.2); c.2044T>G, p.Phe682Val (NM_001322007.2, NM_001322008.2); c.1990T>G, p.Phe664Val (NM_001322009.2); c.1801T>G, p.Phe601Val (NM_001322010.2); c.1429T>G, p.Phe477Val (NM_001322011.2, NM_001322012.2); c.1789T>G, p.Phe597Val (NM_001322013.2); c.2395T>G, p.Phe799Val (NM_001322014.2); and 1 more; short protein forms F601V, F799V, F653V, F664V, F682V, F736V, F477V, F685V.
Identifiers: ClinVar variation 801246 (VCV000801246.6), dbSNP rs876658480, ClinGen allele CA366735834.
Genomic context (GRCh38, chr7:5,977,671, plus strand): 5'-CAAACATCTGCTTGACTCGGGAAGGCCGGCACATGACCCCAGGGCTGTCGCTCAGCATGA[A>C]GATCAGTTCATCGACGTCCTGGGGTCCGAAGGTCCAGTTTTTACTAGTTGGCAAGGAAAT-3'
Protein context (NP_000526.2, residues 778-798): FGPQDVDELI[Phe788Val]MLSDSPGVMC